The following is an entry in ClinVar:

NM_020297.4(ABCC9):c.4389del (p.Phe1463fs)

Genes: ABCC9 (ATP binding cassette subfamily C member 9; minus strand), KCNJ8-AS1 (KCNJ8 antisense RNA 1; plus strand). Cytogenetic location: 12p12.1.
Variant type: Deletion.
Coding change: c.4389del on transcript NM_020297.4 (MANE Select); coding-DNA position 4389, one base deleted (T; older notation c.4389delT).
Protein change: p.Phe1463fs; shifts the reading frame from phenylalanine 1463.
Molecular consequence: frameshift variant.
Genome position (GRCh38, 1-based): chr12:21,807,406, A deleted on the plus strand (T on the coding strand, the reverse complement: ABCC9 is on the minus strand); the first of 3 consecutive A bases (chr12:21,807,406-21,807,408); deleting any one gives the same sequence. VCF-style (leftmost placement, unchanged base first): chr12-21807405-CA-C. GRCh37 (hg19) VCF-style: chr12-21960339-CA-C.
Other names: c.4389del, p.Phe1463fs (NM_001377273.1, NM_005691.4); c.3522del, p.Phe1174fs (NM_001377274.1); short protein forms F1463fs, F1174fs.
Identifiers: ClinVar variation 2692923 (VCV002692923.3), dbSNP rs1463959042, ClinGen allele CA603674850.

ClinVar aggregate classification (germline): Uncertain significance (1 of 4 stars; one submission).

Conditions:
Dilated cardiomyopathy 1O (CMD1O). Also called: CARDIOMYOPATHY, DILATED, WITH VENTRICULAR TACHYCARDIA. Identifiers: Orphanet 154, MedGen C1837839, MONDO:0012062, OMIM 608569.

Submission:

Labcorp Genetics (formerly Invitae), Labcorp
Classification: Uncertain significance for Dilated cardiomyopathy 1O. Last evaluated: 2025-02-12. Review status: criteria provided, single submitter. Criteria: Invitae Variant Classification Sherloc (09022015). Collection method: clinical testing. Allele origin: germline.
Comment: This sequence change creates a premature translational stop signal (p.Phe1463Leufs*28) in the ABCC9 gene. While this is not anticipated to result in nonsense mediated decay, it is expected to disrupt the last 87 amino acid(s) of the ABCC9 protein. This variant is present in population databases (no rsID available, gnomAD 0.009%). This variant has not been reported in the literature in individuals affected with ABCC9-related conditions. ClinVar contains an entry for this variant (Variation ID: 2692923). Experimental studies and prediction algorithms are not available or were not evaluated, and the functional significance of this variant is currently unknown. Algorithms developed to predict the effect of sequence changes on RNA splicing suggest that this variant may disrupt the consensus splice site. In summary, the available evidence is currently insufficient to determine the role of this variant in disease. Therefore, it has been classified as a Variant of Uncertain Significance.